The following is an entry in ClinVar:

ClinVar aggregate classification (germline): Uncertain significance (1 of 4 stars; one submission).

Submission:

Labcorp Genetics (formerly Invitae), Labcorp
Classification: Uncertain significance. Last evaluated: 2022-08-15. Review status: criteria provided, single submitter. Criteria: Invitae Variant Classification Sherloc (09022015). Collection method: clinical testing. Allele origin: germline.
Comment: This variant is not present in population databases (gnomAD no frequency). This sequence change replaces proline, which is neutral and non-polar, with leucine, which is neutral and non-polar, at codon 885 of the AP3D1 protein (p.Pro885Leu). This variant has not been reported in the literature in individuals affected with AP3D1-related conditions. ClinVar contains an entry for this variant (Variation ID: 1498306). Algorithms developed to predict the effect of missense changes on protein structure and function are either unavailable or do not agree on the potential impact of this missense change (SIFT: "Deleterious"; PolyPhen-2: "Benign"; Align-GVGD: "Class C0"). In summary, the available evidence is currently insufficient to determine the role of this variant in disease. Therefore, it has been classified as a Variant of Uncertain Significance.

NM_001261826.3(AP3D1):c.2654C>T (p.Pro885Leu)

Gene: AP3D1 (adaptor related protein complex 3 subunit delta 1; minus strand). Cytogenetic location: 19p13.3.
Variant type: single nucleotide variant.
Coding change: c.2654C>T on transcript NM_001261826.3 (MANE Select); coding-DNA position 2654, C replaced by T.
Protein change: p.Pro885Leu; replaces proline 885 with leucine.
Molecular consequence: missense variant. On other transcripts: intron variant (1).
Genome position (GRCh38, 1-based): chr19:2,113,361, G>A on the plus strand (C>T on the coding strand, the complement: AP3D1 is on the minus strand). VCF-style: chr19-2113361-G-A. GRCh37 (hg19) VCF-style: chr19-2113360-G-A.
Other names: c.2654C>T, p.Pro885Leu (NM_001374799.1); c.2601+764C>T (NM_003938.8); short protein forms P885L.
Identifiers: ClinVar variation 1498306 (VCV001498306.6), dbSNP rs2145030728, ClinGen allele CA403207141.